The following is an entry in ClinVar:

ClinVar aggregate classification (germline): Likely benign (1 of 4 stars; one submission).

Conditions:
Neuronopathy, distal hereditary motor, type 2C. Also called: HMN IIC; NEUROPATHY, DISTAL HEREDITARY MOTOR, AUTOSOMAL DOMINANT 4; NEURONOPATHY, DISTAL HEREDITARY MOTOR, HARDING TYPE IIC; NEUROPATHY, DISTAL HEREDITARY MOTOR, HARDING TYPE IIC. Identifiers: Orphanet 139525, MedGen C3150619, MONDO:0013243, OMIM 613376.

Allele frequency attached by ClinVar (database versions not stated): TOPMed 0.00001; ExAC 0.00002; gnomAD 0.00002; gnomAD exomes 0.00002.

Submission:

Illumina Laboratory Services, Illumina
Classification: Likely benign for Neuronopathy, distal hereditary motor, type 2C. Last evaluated: 2018-01-13. Review status: criteria provided, single submitter. Criteria: ICSL Variant Classification Criteria 13 December 2019. Collection method: clinical testing. Allele origin: germline.
Comment: This variant was observed in the ICSL laboratory as part of a predisposition screen in an ostensibly healthy population. It had not been previously curated by ICSL or reported in the Human Gene Mutation Database (HGMD: prior to June 1st, 2018), and was therefore a candidate for classification through an automated scoring system. Utilizing variant allele frequency, disease prevalence and penetrance estimates, and inheritance mode, an automated score was calculated to assess if this variant is too frequent to cause the disease. Based on the score and internal cut-off values, a variant classified as likely benign is not then subjected to further curation. The score for this variant resulted in a classification of likely benign for this disease.

NM_006308.3(HSPB3):c.-17C>A

Gene: HSPB3 (heat shock protein family B (small) member 3; plus strand). Cytogenetic location: 5q11.2.
Variant type: single nucleotide variant.
Coding change: c.-17C>A on transcript NM_006308.3 (MANE Select); 17 bases upstream of the start codon, C replaced by A.
Molecular consequence: 5 prime UTR variant.
Genome position (GRCh38, 1-based): chr5:54,455,773, C>A. VCF-style: chr5-54455773-C-A. GRCh37 (hg19) VCF-style: chr5-53751603-C-A.
Identifiers: ClinVar variation 906392 (VCV000906392.4), dbSNP rs780916524, ClinGen allele CA3264582.
Genomic context (GRCh38, chr5:54,455,773, plus strand): 5'-TGCAGGGGCTCGCCACTGACTGAAGGCAGTGGAAGGTTGGCAGAAGGAGGCTGTTCAAGG[C>A]TGTTTTTGCCTTCACTATGGCAAAAATCATTTTGAGGCACCTCATAGAGATTCCAGTGCG-3'